The following is an entry in ClinVar:

ClinVar aggregate classification (germline): Uncertain significance (1 of 4 stars; one submission).

Conditions:
Charcot-Marie-Tooth disease type 4. Also called: Charcot-Marie-Tooth disease, type IV; Charcot-Marie-Tooth, Type 4. Identifiers: Orphanet 64749, MedGen C4082197, MONDO:0018995.

Allele frequency attached by ClinVar (database versions not stated): ExAC 0.00002; gnomAD 0.00001; gnomAD exomes 0.00002.
gnomAD v4.1: 15 of 1,613,988 alleles (0.00093%); highest among the groups gnomAD compares: Admixed American, 0.01%; no homozygotes.

Submission:

Labcorp Genetics (formerly Invitae), Labcorp
Classification: Uncertain significance for Charcot-Marie-Tooth disease type 4. Last evaluated: 2021-12-15. Review status: criteria provided, single submitter. Criteria: Invitae Variant Classification Sherloc (09022015). Collection method: clinical testing. Allele origin: germline.
Comment: This sequence change replaces alanine, which is neutral and non-polar, with threonine, which is neutral and polar, at codon 1829 of the SBF2 protein (p.Ala1829Thr). This variant is present in population databases (rs750660963, gnomAD 0.01%). This variant has not been reported in the literature in individuals affected with SBF2-related conditions. Algorithms developed to predict the effect of missense changes on protein structure and function are either unavailable or do not agree on the potential impact of this missense change (SIFT: "Deleterious"; PolyPhen-2: "Probably Damaging"; Align-GVGD: "Class C0"). In summary, the available evidence is currently insufficient to determine the role of this variant in disease. Therefore, it has been classified as a Variant of Uncertain Significance.

NM_030962.4(SBF2):c.5485G>A (p.Ala1829Thr)

Genes: SBF2-AS1 (SBF2 antisense RNA 1; plus strand), SBF2 (SET binding factor 2; minus strand). Cytogenetic location: 11p15.4.
Variant type: single nucleotide variant.
Coding change: c.5485G>A on transcript NM_030962.4 (MANE Select); coding-DNA position 5485, G replaced by A.
Protein change: p.Ala1829Thr; replaces alanine 1829 with threonine.
Molecular consequence: missense variant.
Genome position (GRCh38, 1-based): chr11:9,780,483, C>T on the plus strand (G>A on the coding strand, the complement: SBF2 is on the minus strand). VCF-style: chr11-9780483-C-T. GRCh37 (hg19) VCF-style: chr11-9802030-C-T.
Other names: c.5581G>A, p.Ala1861Thr (NM_001386339.1); c.5356G>A, p.Ala1786Thr (NM_001386342.1); short protein forms A1829T, A1786T, A1861T.
Identifiers: ClinVar variation 1371443 (VCV001371443.3), dbSNP rs750660963, ClinGen allele CA5880687.